The following is an entry in ClinVar:

ClinVar aggregate classification (germline): Likely pathogenic (1 of 4 stars; one submission).

Conditions:
Biotinidase deficiency. Also called: BTD deficiency; Late-onset biotin-responsive multiple carboxylase deficiency; Biotin deficiency. Identifiers: Orphanet 79241, MedGen C0220754, MONDO:0009665, OMIM 253260.

Submission:

Natera, Inc.
Classification: Likely pathogenic for Biotinidase deficiency. Last evaluated: 2024-06-28. Review status: criteria provided, single submitter. Criteria: Natera Variant Classification Schema (03/2026). Collection method: clinical testing. Allele origin: germline.
Comment: The c.245C>T variant in BTD is a missense variant predicted to cause substitution of alanine to valine at amino acid 82. This variant is rare in the general population with a frequency below the threshold expected for the associated phenotype(s). This variant has been observed in one or more individuals affected with the associated recessive disease, as either homozygous or compound heterozygous with a second variant (PMID: 26810761). This variant has been identified in one or more affected individual with a phenotype highly consistent with the associated gene (PMID: 26810761). Computational prediction algorithms indicate this variant is likely to affect gene or protein function. Given the available evidence, this variant is classified as Likely Pathogenic.

Literature cited by the submitters: PubMed 26810761.

NM_000060.4:c.245C>T

Variant type: single nucleotide variant.
Other names: c.245C>T (NM_000060.4).
Identifiers: ClinVar variation 4816004 (VCV004816004.1).